The following is an entry in ClinVar:

NM_000260.4(MYO7A):c.4159G>A (p.Asp1387Asn)

Gene: MYO7A (myosin VIIA; plus strand). Cytogenetic location: 11q13.5.
Variant type: single nucleotide variant.
Coding change: c.4159G>A on transcript NM_000260.4 (MANE Select); coding-DNA position 4159, G replaced by A.
Protein change: p.Asp1387Asn; replaces aspartic acid 1387 with asparagine.
Molecular consequence: missense variant.
Genome position (GRCh38, 1-based): chr11:77,194,360, G>A. VCF-style: chr11-77194360-G-A. GRCh37 (hg19) VCF-style: chr11-76905405-G-A.
Other names: c.4159G>A, p.Asp1387Asn (NM_001127180.2); c.4126G>A, p.Asp1376Asn (NM_001369365.1); short protein forms D1387N, D1376N.
Identifiers: ClinVar variation 2144042 (VCV002144042.5), dbSNP rs749881235, ClinGen allele CA6198365.

ClinVar aggregate classification (germline): Uncertain significance. Review status: criteria provided, multiple submitters, no conflicts (2 of 4 stars). 2 submissions from 2 submitters: Uncertain significance (2). Last evaluated 2023-04-12.

Allele frequency attached by ClinVar (database versions not stated): ExAC 0.00001; gnomAD 0.00001; gnomAD exomes 0.00001; TOPMed 0.00003.
gnomAD v4.1: 18 of 1,611,458 alleles (0.0011%); highest among the groups gnomAD compares: African/African-American, 0.004%; no homozygotes.

Submissions (2):

Labcorp Genetics (formerly Invitae), Labcorp
Classification: Uncertain significance. Last evaluated: 2023-04-12. Review status: criteria provided, single submitter. Criteria: Invitae Variant Classification Sherloc (09022015). Collection method: clinical testing. Allele origin: germline.
Comment: In summary, the available evidence is currently insufficient to determine the role of this variant in disease. Therefore, it has been classified as a Variant of Uncertain Significance. Advanced modeling of protein sequence and biophysical properties (such as structural, functional, and spatial information, amino acid conservation, physicochemical variation, residue mobility, and thermodynamic stability) performed at Invitae indicates that this missense variant is not expected to disrupt MYO7A protein function. ClinVar contains an entry for this variant (Variation ID: 2144042). This missense change has been observed in individual(s) with clinical features of MYO7A-related conditions (PMID: 31322791). This variant is present in population databases (rs749881235, gnomAD 0.007%). This sequence change replaces aspartic acid, which is acidic and polar, with asparagine, which is neutral and polar, at codon 1387 of the MYO7A protein (p.Asp1387Asn).

Blueprint Genetics
Classification: Uncertain significance. Last evaluated: 2019-10-03. Review status: criteria provided, single submitter. Criteria: ACMG Guidelines, 2015. Collection method: clinical testing. Allele origin: germline.

Literature cited by the submitters: PubMed 31322791 (cited by Labcorp Genetics (formerly Invitae), Labcorp).